The following is an entry in ClinVar:

NM_002470.4(MYH3):c.298C>T (p.Pro100Ser)

Gene: MYH3 (myosin heavy chain 3; minus strand). Cytogenetic location: 17p13.1.
Variant type: single nucleotide variant.
Coding change: c.298C>T on transcript NM_002470.4 (MANE Select); coding-DNA position 298, C replaced by T.
Protein change: p.Pro100Ser; replaces proline 100 with serine.
Molecular consequence: missense variant.
Genome position (GRCh38, 1-based): chr17:10,652,470, G>A on the plus strand (C>T on the coding strand, the complement: MYH3 is on the minus strand). VCF-style: chr17-10652470-G-A. GRCh37 (hg19) VCF-style: chr17-10555787-G-A.
Other names: short protein forms P100S.
Identifiers: ClinVar variation 891747 (VCV000891747.4), dbSNP rs767400961, ClinGen allele CA8393347.

ClinVar aggregate classification (germline): Conflicting classifications of pathogenicity. Review status: criteria provided, conflicting classifications (1 of 4 stars). 2 submissions from 1 submitter: Uncertain significance (1); Likely benign (1). Last evaluated 2018-01-12.

Conditions:
Freeman-Sheldon syndrome (DA2A). Also called: CRANIOCARPOTARSAL DYSPLASIA; CRANIOCARPOTARSAL DYSTROPHY; WHISTLING FACE-WINDMILL VANE HAND SYNDROME; Arthrogryposis, distal, type 2A (Freeman-Sheldon). Identifiers: Orphanet 2053, MedGen C0265224, MONDO:0008675, OMIM 193700.
Distal arthrogryposis type 2B1 (DA2B1). Also called: Arthrogryposis multiplex congenita distal type II with craniofacial abnormalities. Identifiers: Orphanet 1147, MedGen C5193014, MONDO:0020820, OMIM 601680.

Allele frequency attached by ClinVar (database versions not stated): TOPMed below 0.00001; gnomAD 0.00001; gnomAD exomes 0.00001; ExAC 0.00002.
gnomAD v4.1: 9 of 1,613,996 alleles (0.00056%); highest among the groups gnomAD compares: Middle Eastern, 0.016%; no homozygotes.

Submissions (2):

Illumina Laboratory Services, Illumina
Classification: Uncertain significance for Distal arthrogryposis type 2B1. Last evaluated: 2018-01-12. Review status: criteria provided, single submitter. Criteria: ICSL Variant Classification Criteria 13 December 2019. Collection method: clinical testing. Allele origin: germline.

Illumina Laboratory Services, Illumina
Classification: Likely benign for Freeman-Sheldon syndrome. Last evaluated: 2018-01-12. Review status: criteria provided, single submitter. Criteria: ICSL Variant Classification Criteria 13 December 2019. Collection method: clinical testing. Allele origin: germline.
Comment: This variant was observed in the ICSL laboratory as part of a predisposition screen in an ostensibly healthy population. It had not been previously curated by ICSL or reported in the Human Gene Mutation Database (HGMD: prior to June 1st, 2018), and was therefore a candidate for classification through an automated scoring system. Utilizing variant allele frequency, disease prevalence and penetrance estimates, and inheritance mode, an automated score was calculated to assess if this variant is too frequent to cause the disease. Based on the score and internal cut-off values, a variant classified as likely benign is not then subjected to further curation. The score for this variant resulted in a classification of likely benign for this disease.